The following is an entry in ClinVar:

ClinVar aggregate classification (germline): Uncertain significance (1 of 4 stars; one submission).

Allele frequency attached by ClinVar (database versions not stated): gnomAD exomes 0.00001.
gnomAD v4.1: 6 of 1,613,686 alleles (0.00037%); highest among the groups gnomAD compares: Non-Finnish European, 0.00051%; no homozygotes.

Submission:

Labcorp Genetics (formerly Invitae), Labcorp
Classification: Uncertain significance. Last evaluated: 2025-11-10. Review status: criteria provided, single submitter. Criteria: Invitae Variant Classification Sherloc (09022015). Collection method: clinical testing. Allele origin: germline.
Comment: This sequence change replaces cysteine, which is neutral and slightly polar, with tyrosine, which is neutral and polar, at codon 810 of the C5 protein (p.Cys810Tyr). This variant is not present in population databases (gnomAD no frequency). This variant has not been reported in the literature in individuals affected with C5-related conditions. ClinVar contains an entry for this variant (Variation ID: 1715965). Invitae Evidence Modeling of protein sequence and biophysical properties (such as structural, functional, and spatial information, amino acid conservation, physicochemical variation, residue mobility, and thermodynamic stability) indicates that this missense variant is expected to disrupt C5 protein function with a positive predictive value of 80%. In summary, the available evidence is currently insufficient to determine the role of this variant in disease. Therefore, it has been classified as a Variant of Uncertain Significance.

NM_001735.3(C5):c.2429G>A (p.Cys810Tyr)

Gene: C5 (complement C5; minus strand). Cytogenetic location: 9q33.2.
Variant type: single nucleotide variant.
Coding change: c.2429G>A on transcript NM_001735.3 (MANE Select); coding-DNA position 2429, G replaced by A.
Protein change: p.Cys810Tyr; replaces cysteine 810 with tyrosine.
Molecular consequence: missense variant.
Genome position (GRCh38, 1-based): chr9:121,006,052, C>T on the plus strand (G>A on the coding strand, the complement: C5 is on the minus strand). VCF-style: chr9-121006052-C-T. GRCh37 (hg19) VCF-style: chr9-123768330-C-T.
Other names: c.2447G>A, p.Cys816Tyr (NM_001317163.2); c.2429G>A, p.Cys810Tyr (NM_001317164.2); short protein forms C810Y, C816Y.
Identifiers: ClinVar variation 1715965 (VCV001715965.5), dbSNP rs2540417980, ClinGen allele CA374740292.